The following is an entry in ClinVar:

ClinVar aggregate classification (germline): Likely benign (1 of 4 stars; one submission).

Allele frequency attached by ClinVar (database versions not stated): gnomAD exomes 0.00023; ExAC 0.00100; ESP Exome Variant Server 0.00116; gnomAD 0.00248; TOPMed 0.00251; 1000 Genomes Project 0.00439; 1000 Genomes Project 30x 0.00453.
gnomAD v4.1: 742 of 1,606,638 alleles (0.046%); highest among the groups gnomAD compares: African/African-American, 0.77%; 6 homozygotes.

Submission:

CeGaT Center for Human Genetics Tuebingen
Classification: Likely benign. Last evaluated: 2022-10-01. Review status: criteria provided, single submitter. Criteria: CeGaT Center For Human Genetics Tuebingen Variant Classification Criteria Version 2. Collection method: clinical testing. Allele origin: germline. Affected: yes. Observed: 2 variant alleles.
Comment: CATIP: BP4, BS2

NM_198559.2(CATIP):c.947G>C (p.Ser316Thr)

Genes: CATIP (ciliogenesis associated TTC17 interacting protein; plus strand), CATIP-AS1 (CATIP antisense RNA 1; minus strand). Cytogenetic location: 2q35.
Variant type: single nucleotide variant.
Coding change: c.947G>C on transcript NM_198559.2 (MANE Select); coding-DNA position 947, G replaced by C.
Protein change: p.Ser316Thr; replaces serine 316 with threonine.
Molecular consequence: missense variant. On other transcripts: non-coding transcript variant (1).
Genome position (GRCh38, 1-based): chr2:218,367,747, G>C. VCF-style: chr2-218367747-G-C. GRCh37 (hg19) VCF-style: chr2-219232470-G-C.
Other names: c.980G>C, p.Ser327Thr (NM_001320865.2); short protein forms S316T, S327T.
Identifiers: ClinVar variation 2651876 (VCV002651876.24), dbSNP rs139704670, ClinGen allele CA2104617.